The following is an entry in ClinVar:

NM_016628.5(WAC):c.1820A>G (p.Asn607Ser)

Gene: WAC (WW domain containing adaptor with coiled-coil; plus strand). Cytogenetic location: 10p12.1.
Variant type: single nucleotide variant.
Coding change: c.1820A>G on transcript NM_016628.5 (MANE Select); coding-DNA position 1820, A replaced by G.
Protein change: p.Asn607Ser; replaces asparagine 607 with serine.
Molecular consequence: missense variant.
Genome position (GRCh38, 1-based): chr10:28,617,730, A>G. VCF-style: chr10-28617730-A-G. GRCh37 (hg19) VCF-style: chr10-28906659-A-G.
Other names: c.1685A>G, p.Asn562Ser (NM_100264.3); c.1511A>G, p.Asn504Ser (NM_100486.4); short protein forms N562S, N504S, N607S.
Identifiers: ClinVar variation 5007936 (VCV005007936.1).
Genomic context (GRCh38, chr10:28,617,730, plus strand): 5'-GCGAAGAAGCGCATAACATGGGAACTATTCACATGTCCGAAATTTGTACTGAATTAAAAA[A>G]TTTAAGATCTTTAGTCCGAGTATGTGAAATTCAAGCAACTTTGCGAGAGCAAAGGTAAGT-3'
Protein context (NP_057712.2, residues 597-617): HMSEICTELK[Asn607Ser]LRSLVRVCEI

ClinVar aggregate classification (germline): Uncertain significance (1 of 4 stars; one submission).

gnomAD v4.1: 3 of 1,598,390 alleles (0.00019%); highest among the groups gnomAD compares: Non-Finnish European, 0.00026%; no homozygotes.

Submission:

GeneDx
Classification: Uncertain significance. Last evaluated: 2026-02-24. Review status: criteria provided, single submitter. Criteria: GeneDx Variant Classification Process June 2021. Collection method: clinical testing. Allele origin: germline.
Comment: Not observed at significant frequency in large population cohorts (gnomAD); In silico analysis suggests that this missense variant does not alter protein structure/function; Has not been previously published as pathogenic or benign to our knowledge